The following is an entry in ClinVar:

NM_015213.4(DENND5A):c.413A>T (p.Tyr138Phe)

Gene: DENND5A (DENN domain containing 5A; minus strand). Cytogenetic location: 11p15.4.
Variant type: single nucleotide variant.
Coding change: c.413A>T on transcript NM_015213.4 (MANE Select); coding-DNA position 413, A replaced by T.
Protein change: p.Tyr138Phe; replaces tyrosine 138 with phenylalanine.
Molecular consequence: missense variant. On other transcripts: non-coding transcript variant (1).
Genome position (GRCh38, 1-based): chr11:9,204,196, T>A on the plus strand (A>T on the coding strand, the complement: DENND5A is on the minus strand). VCF-style: chr11-9204196-T-A. GRCh37 (hg19) VCF-style: chr11-9225743-T-A.
Other names: c.413A>T, p.Tyr138Phe (NM_001243254.2, NM_001348748.1); c.341A>T, p.Tyr114Phe (NM_001348749.2); c.125A>T, p.Tyr42Phe (NM_001348750.2); short protein forms Y114F, Y138F, Y42F.
Identifiers: ClinVar variation 1959562 (VCV001959562.5), dbSNP rs757179752, ClinGen allele CA5877818.

ClinVar aggregate classification (germline): Uncertain significance (1 of 4 stars; one submission).

Allele frequency attached by ClinVar (database versions not stated): gnomAD 0.00001; TOPMed 0.00001; ExAC 0.00005.
gnomAD v4.1: 27 of 1,613,980 alleles (0.0017%); highest among the groups gnomAD compares: Non-Finnish European, 0.0021%; no homozygotes.

Submission:

Labcorp Genetics (formerly Invitae), Labcorp
Classification: Uncertain significance. Last evaluated: 2022-04-23. Review status: criteria provided, single submitter. Criteria: Invitae Variant Classification Sherloc (09022015). Collection method: clinical testing. Allele origin: germline.
Comment: This variant has not been reported in the literature in individuals affected with DENND5A-related conditions. This variant is present in population databases (rs757179752, gnomAD 0.005%). This sequence change replaces tyrosine, which is neutral and polar, with phenylalanine, which is neutral and non-polar, at codon 138 of the DENND5A protein (p.Tyr138Phe). Algorithms developed to predict the effect of missense changes on protein structure and function output the following: SIFT: "Tolerated"; PolyPhen-2: "Benign"; Align-GVGD: "Class C0". The phenylalanine amino acid residue is found in multiple mammalian species, which suggests that this missense change does not adversely affect protein function. In summary, the available evidence is currently insufficient to determine the role of this variant in disease. Therefore, it has been classified as a Variant of Uncertain Significance.